The following is an entry in ClinVar:

Conditions:
Arteriohepatic dysplasia. Also called: Alagille Syndrome. Identifiers: Orphanet 52, MedGen C0085280, MeSH D016738, MONDO:0007318.

Submission:

Gilbert/Spinner Lab, Children's Hospital of Philadelphia
No classification provided (evidence only). Condition: Alagille syndrome. Review status: no classification provided. Collection method: research. Allele origin: not applicable. Functional consequence: functionally_abnormal.
ClinVar note: "not provided" was previously submitted as the classification for the variant. However, the classification appeared to be based only on an observation of functional data so it was converted to no classification on 2025-07-30.

NM_000214.3(JAG1):c.844T>C (p.Cys282Arg)

Gene: JAG1 (jagged canonical Notch ligand 1; minus strand). Cytogenetic location: 20p12.2.
Variant type: single nucleotide variant.
Coding change: c.844T>C on transcript NM_000214.3 (MANE Select); coding-DNA position 844, T replaced by C.
Protein change: p.Cys282Arg; replaces cysteine 282 with arginine.
Molecular consequence: missense variant.
Genome position (GRCh38, 1-based): chr20:10,652,510, A>G on the plus strand (T>C on the coding strand, the complement: JAG1 is on the minus strand). VCF-style: chr20-10652510-A-G. GRCh37 (hg19) VCF-style: chr20-10633158-A-G.
Other names: short protein forms C282R.
Identifiers: ClinVar variation 3573134 (VCV003573134.2).